The following is an entry in ClinVar:

NM_024675.4(PALB2):c.1364A>T (p.Asn455Ile)

Gene: PALB2 (partner and localizer of BRCA2; minus strand). Cytogenetic location: 16p12.2.
Variant type: single nucleotide variant.
Coding change: c.1364A>T on transcript NM_024675.4 (MANE Select); coding-DNA position 1364, A replaced by T.
Protein change: p.Asn455Ile; replaces asparagine 455 with isoleucine.
Molecular consequence: missense variant.
Genome position (GRCh38, 1-based): chr16:23,635,182, T>A on the plus strand (A>T on the coding strand, the complement: PALB2 is on the minus strand). VCF-style: chr16-23635182-T-A. GRCh37 (hg19) VCF-style: chr16-23646503-T-A.
Other names: short protein forms N455I.
Identifiers: ClinVar variation 918342 (VCV000918342.6), dbSNP rs587781824, ClinGen allele CA395131471.

ClinVar aggregate classification (germline): Conflicting classifications of pathogenicity. Review status: criteria provided, conflicting classifications (1 of 4 stars). 2 submissions from 2 submitters: Uncertain significance (1); Likely benign (1). Last evaluated 2024-08-07.

Conditions:
Hereditary cancer-predisposing syndrome. Also called: Neoplastic Syndromes, Hereditary; Tumor predisposition; Hereditary Cancer Syndrome; Hereditary neoplastic syndrome. Identifiers: Orphanet 140162, MedGen C0027672, MeSH D009386, MONDO:0015356.

Submissions (2):

Ambry Genetics
Classification: Likely benign for Hereditary cancer-predisposing syndrome. Last evaluated: 2024-08-07. Review status: criteria provided, single submitter. Criteria: Ambry Variant Classification Scheme 2023. Collection method: clinical testing. Allele origin: germline.

Color Diagnostics, LLC DBA Color Health
Classification: Uncertain significance for Hereditary cancer-predisposing syndrome. Last evaluated: 2023-12-04. Review status: criteria provided, single submitter. Criteria: ACMG Guidelines, 2015. Collection method: clinical testing. Allele origin: germline.
Comment: This missense variant replaces asparagine with isoleucine at codon 455 of the PALB2 protein. Computational prediction tools and conservation analyses are inconclusive regarding the impact of this variant on the protein function. Computational splicing tools suggest that this variant may not impact RNA splicing. To our knowledge, functional assays have not been performed for this variant nor has this variant been reported in individuals affected with hereditary cancer in the literature. This variant has not been identified in the general population by the Genome Aggregation Database (gnomAD). Available evidence is insufficient to determine the role of this variant in disease conclusively. Therefore, this variant is classified as a Variant of Uncertain Significance.